The following is an entry in ClinVar:

ClinVar aggregate classification (germline): Uncertain significance. Review status: criteria provided, multiple submitters, no conflicts (2 of 4 stars). 2 submissions from 2 submitters: Uncertain significance (2). Last evaluated 2022-05-04.

Submissions (2):

Labcorp Genetics (formerly Invitae), Labcorp
Classification: Uncertain significance. Last evaluated: 2022-05-04. Review status: criteria provided, single submitter. Criteria: Invitae Variant Classification Sherloc (09022015). Collection method: clinical testing. Allele origin: germline.
Comment: This sequence change replaces methionine, which is neutral and non-polar, with leucine, which is neutral and non-polar, at codon 1729 of the CACNA1G protein (p.Met1729Leu). This variant is not present in population databases (gnomAD no frequency). In summary, the available evidence is currently insufficient to determine the role of this variant in disease. Therefore, it has been classified as a Variant of Uncertain Significance. Advanced modeling of protein sequence and biophysical properties (such as structural, functional, and spatial information, amino acid conservation, physicochemical variation, residue mobility, and thermodynamic stability) performed at Invitae indicates that this missense variant is not expected to disrupt CACNA1G protein function. This variant has not been reported in the literature in individuals affected with CACNA1G-related conditions.

GeneDx
Classification: Uncertain significance. Last evaluated: 2022-02-04. Review status: criteria provided, single submitter. Criteria: GeneDx Variant Classification Process June 2021. Collection method: clinical testing. Allele origin: germline. Affected: yes.
Comment: Not observed at significant frequency in large population cohorts (gnomAD); In silico analysis supports that this missense variant has a deleterious effect on protein structure/function; Has not been previously published as pathogenic or benign to our knowledge

NM_018896.5(CACNA1G):c.5185A>C (p.Met1729Leu)

Gene: CACNA1G (calcium voltage-gated channel subunit alpha1 G; plus strand). Cytogenetic location: 17q21.33.
Variant type: single nucleotide variant.
Coding change: c.5185A>C on transcript NM_018896.5 (MANE Select); coding-DNA position 5185, A replaced by C.
Protein change: p.Met1729Leu; replaces methionine 1729 with leucine.
Molecular consequence: missense variant. On other transcripts: non-coding transcript variant (5).
Genome position (GRCh38, 1-based): chr17:50,617,888, A>C. VCF-style: chr17-50617888-A-C. GRCh37 (hg19) VCF-style: chr17-48695249-A-C.
Other names: c.5131A>C, p.Met1711Leu (NM_001256324.2, NM_001256328.2, NM_198386.3); c.5206A>C, p.Met1736Leu (NM_001256325.2); c.5050A>C, p.Met1684Leu (NM_001256326.2, NM_001256330.2); c.5185A>C, p.Met1729Leu (NM_001256327.2, NM_001256333.2, NM_198384.3 and 1 more transcripts); c.5083A>C, p.Met1695Leu (NM_001256329.2, NM_198396.3, NM_198376.3 and 2 more transcripts); c.5062A>C, p.Met1688Leu (NM_198388.3); c.5029A>C, p.Met1677Leu (NM_001256331.2); c.5014A>C, p.Met1672Leu (NM_001256332.2); and 5 more; short protein forms M1672L, M1677L, M1684L, M1688L, M1691L, M1693L, M1695L, M1702L.
Identifiers: ClinVar variation 1700387 (VCV001700387.7), dbSNP rs2050912882, ClinGen allele CA400263422.